The following is an entry in ClinVar:

ClinVar aggregate classification (germline): Uncertain significance. Review status: criteria provided, multiple submitters, no conflicts (2 of 4 stars). 2 submissions from 2 submitters: Uncertain significance (2). Last evaluated 2025-02-24.

Conditions:
Inborn genetic diseases. Identifiers: MedGen C0950123, MeSH D030342.

Submissions (2):

Ambry Genetics
Classification: Uncertain significance for Inborn genetic diseases. Last evaluated: 2025-02-24. Review status: criteria provided, single submitter. Criteria: Ambry Variant Classification Scheme 2023. Collection method: clinical testing. Allele origin: germline.

Labcorp Genetics (formerly Invitae), Labcorp
Classification: Uncertain significance. Last evaluated: 2024-02-17. Review status: criteria provided, single submitter. Criteria: Invitae Variant Classification Sherloc (09022015). Collection method: clinical testing. Allele origin: germline.
Comment: This sequence change replaces arginine, which is basic and polar, with tryptophan, which is neutral and slightly polar, at codon 262 of the RAI1 protein (p.Arg262Trp). This variant is present in population databases (rs781334124, gnomAD 0.0009%). This variant has not been reported in the literature in individuals affected with RAI1-related conditions. ClinVar contains an entry for this variant (Variation ID: 1435095). Advanced modeling of protein sequence and biophysical properties (such as structural, functional, and spatial information, amino acid conservation, physicochemical variation, residue mobility, and thermodynamic stability) performed at Invitae indicates that this missense variant is expected to disrupt RAI1 protein function with a positive predictive value of 80%. In summary, the available evidence is currently insufficient to determine the role of this variant in disease. Therefore, it has been classified as a Variant of Uncertain Significance.

NM_030665.4(RAI1):c.784C>T (p.Arg262Trp)

Gene: RAI1 (retinoic acid induced 1; plus strand). Cytogenetic location: 17p11.2.
Variant type: single nucleotide variant.
Coding change: c.784C>T on transcript NM_030665.4 (MANE Select); coding-DNA position 784, C replaced by T.
Protein change: p.Arg262Trp; replaces arginine 262 with tryptophan.
Molecular consequence: missense variant.
Genome position (GRCh38, 1-based): chr17:17,793,732, C>T. VCF-style: chr17-17793732-C-T. GRCh37 (hg19) VCF-style: chr17-17697046-C-T.
Other names: c.784C>T (NM_030665.3); short protein forms R262W.
Identifiers: ClinVar variation 1435095 (VCV001435095.7), dbSNP rs781334124, ClinGen allele CA8418193.
Genomic context (GRCh38, chr17:17,793,732, plus strand): 5'-CCGACTGCCCAGCCCCATGACAGGCCGCTGACTGCCAGCTCCAGCCTGGCCCCGGGGCAG[C>T]GGGTCCAGAATCTTCATGCCTACCAGTCGGGCCGCCTCAGCTATGACCAGCAGCAGCAGC-3'
Protein context (NP_109590.3, residues 252-272): TASSSLAPGQ[Arg262Trp]VQNLHAYQSG